The following is an entry in ClinVar:

NM_020427.3(SLURP1):c.82del (p.Cys28fs)

Gene: SLURP1 (secreted LY6/PLAUR domain containing 1; minus strand). Cytogenetic location: 8q24.3.
Variant type: Deletion.
Coding change: c.82del on transcript NM_020427.3 (MANE Select); coding-DNA position 82, one base deleted (T; older notation c.82delT).
Protein change: p.Cys28fs; shifts the reading frame from cysteine 28.
Molecular consequence: frameshift variant.
Genome position (GRCh38, 1-based): chr8:142,741,899, A deleted on the plus strand (T on the coding strand, the reverse complement: SLURP1 is on the minus strand). VCF-style (leftmost placement, unchanged base first): chr8-142741898-CA-C. GRCh37 (hg19) VCF-style: chr8-143823316-CA-C.
Other names: c.82delT (NM_020427.2); short protein forms C28fs.
Identifiers: ClinVar variation 4599 (VCV000004599.15), dbSNP rs587776601, ClinGen allele CA116946.

ClinVar aggregate classification (germline): Pathogenic. Review status: criteria provided, multiple submitters, no conflicts (2 of 4 stars). 8 submissions from 8 submitters: Pathogenic (7). 1 of the submissions does not count toward it. Last evaluated 2025-09-10.

Conditions:
SLURP1-related disorder. Also called: SLURP1-related condition.
Acroerythrokeratoderma (MDM). Also called: PALMOPLANTAR KERATODERMA, NORRBOTTEN RECESSIVE TYPE; PALMOPLANTAR KERATODERMA, GAMBORG NIELSEN TYPE; Mal de Meleda; Meleda disease; KERATOSIS PALMOPLANTARIS TRANSGREDIENS OF SIEMENS. Identifiers: Orphanet 87503, MedGen C0025221, MONDO:0009552, OMIM 248300.

Allele frequency attached by ClinVar (database versions not stated): ExAC 0.00003; gnomAD exomes 0.00003 and 0.00007; gnomAD 0.00006 and 0.00007; TOPMed 0.00006.

Submissions (8):

Genomic Medicine Center of Excellence, King Faisal Specialist Hospital and Research Centre
Classification: Pathogenic for Acroerythrokeratoderma. Last evaluated: 2025-09-10. Review status: criteria provided, single submitter. Criteria: ACMG Guidelines, 2015. Collection method: clinical testing. Allele origin: germline.

Dasa
Classification: Pathogenic. Last evaluated: 2025-09-04. Review status: criteria provided, single submitter. Criteria: DASA Assertion Criteria. Collection method: clinical testing. Allele origin: germline.
Comment: NM_020427.3(SLURP1):c.82del (p.Cys28Alafs*5) introduces a premature termination codon predicted to result in loss of normal protein function. Loss-of-function is an established mechanism of disease for this gene. This variant has been recurrently observed in affected individuals with related phenotype in a genotype context consistent with recessive disease (PMID: 11285253; PMID: 14756676; PMID: 12535203; PMID: 31944258). Segregation evidence has been reported in affected families. The variant is present at low frequency in population datasets. Based on the available data, this variant is classified as pathogenic.

Labcorp Genetics (formerly Invitae), Labcorp
Classification: Pathogenic. Last evaluated: 2025-06-29. Review status: criteria provided, single submitter. Criteria: Invitae Variant Classification Sherloc (09022015). Collection method: clinical testing. Allele origin: germline.
Comment: This sequence change creates a premature translational stop signal (p.Cys28Alafs*5) in the SLURP1 gene. It is expected to result in an absent or disrupted protein product. Loss-of-function variants in SLURP1 are known to be pathogenic (PMID: 11285253, 19692209). This variant is present in population databases (rs587776601, gnomAD 0.008%). This premature translational stop signal has been observed in individual(s) with Mal de Meleda (PMID: 11285253, 24093092). ClinVar contains an entry for this variant (Variation ID: 4599). For these reasons, this variant has been classified as Pathogenic.

Blueprint Genetics
Classification: Pathogenic for SLURP1-related disorders. Last evaluated: 2024-07-23. Review status: criteria provided, single submitter. Criteria: ACMG Guidelines, 2015. Collection method: clinical testing. Allele origin: germline. Affected: yes. Observed: 5 variant alleles.

Department of Pathology and Laboratory Medicine, Sinai Health System
Classification: Pathogenic for mal de Meleda. Last evaluated: 2023-07-20. Review status: criteria provided, single submitter. Criteria: ACMG Guidelines, 2015. Collection method: research. Allele origin: germline.

GeneDx
Classification: Pathogenic. Last evaluated: 2018-05-03. Review status: criteria provided, single submitter. Criteria: GeneDx Variant Classification (06012015). Collection method: clinical testing. Allele origin: germline. Affected: yes.
Comment: The c.82delT pathogenic variant in the SLURP1 gene has been reported previously in the homozygous state in multiple unrelated individuals with Mal de Maleda (Fischer et al., 2001; Charfeddine et al., 2003). The c.82delT variant causes a frameshift starting with codon Cysteine 28, changes this amino acid to an Alanine residue, and creates a premature Stop codon at position 5 of the new reading frame, denoted p.Cys28AlafsX5. This variant is predicted to cause loss of normal protein function either through protein truncation or nonsense-mediated mRNA decay. The c.82delT variant is observed in 10/126,090 (0.008%) alleles from individuals of non-Finnish European background in large population cohorts (Lek et al., 2016). We interpret c.82delT as a pathogenic variant.

Illumina Laboratory Services, Illumina
Classification: Pathogenic for Acroerythrokeratoderma. Last evaluated: 2018-03-28. Review status: criteria provided, single submitter. Criteria: ICSL Variant Classification Criteria 09 May 2019. Collection method: clinical testing. Allele origin: germline.
Comment: The SLURP1 c.82delT (p.Cys28AlafsTer5) variant results in a frameshift and is predicted to result in premature termination of the protein. Across a selection of the literature, the p.Cys28AlafsTer5 variant has been reported in a homozygous state in a total of 15 individuals affected with mal de Meleda from eight families (Charfeddine et al. 2003; Ward et al. 2003; Bchetnia et al. 2013; Bergqvist et al. 2018). Both Charfeddine et al. (2003) and Ward et al. (2003) demonstrated that the parents of the affected individuals carried the variant in a heterozygous state. Additionally, Fischer et al. (2001) identified the p.Cys28AlafsTer5 variant in a homozygous state in an unknown number of affected individuals from 15 families. Two female obligate carriers of the p.Cys28AlafsTer5 variant were shown to have attenuated signs of skin disease (Mokni et al. 2004). Favre et al. (2007) demonstrated that the sweat of one individual with the p.Cys28AlafsTer5 variant showed an absence of SLURP1. The p.Cys28AlafsTer5 variant was absent from 200 Palestinian controls, but is reported at a frequency of 0.000079 in the European (non-Finnish) population of the Genome Aggregation Database. Based on the evidence and potential impact of frameshift variants, the p.Cys28AlafsTer5 variant is classified as pathogenic for mal de Meleda. This variant was observed by ICSL as part of a predisposition screen in an ostensibly healthy population.

OMIM
Classification: Pathogenic for MAL DE MELEDA. Last evaluated: 2004-03-01. Review status: no assertion criteria provided. Collection method: literature only. Allele origin: germline. Not counted in ClinVar's aggregate classification.

Literature cited by the submitters: PubMed 11285253 (cited by 4 submitters); PubMed 14756676 (cited by 3 submitters); PubMed 12535203 (cited by 3 submitters); PubMed 31944258 (cited by Dasa and OMIM); PubMed 19692209 (cited by Labcorp Genetics (formerly Invitae), Labcorp); PubMed 24093092 (cited by Labcorp Genetics (formerly Invitae), Labcorp and Illumina Laboratory Services, Illumina); PubMed 29231248 (cited by Illumina Laboratory Services, Illumina); PubMed 17008884 (cited by Illumina Laboratory Services, Illumina); PubMed 14674887 (cited by Illumina Laboratory Services, Illumina and OMIM); PubMed 12603845 (cited by OMIM).